The following is an entry in ClinVar:

ClinVar aggregate classification (germline): Uncertain significance (1 of 4 stars; one submission).

Conditions:
Inborn genetic diseases. Identifiers: MedGen C0950123, MeSH D030342.

gnomAD v4.1: 1 of 1,614,062 alleles (0.000062%); highest among the groups gnomAD compares: Non-Finnish European, 0.000085%; no homozygotes.

Submission:

Ambry Genetics
Classification: Uncertain significance for Inborn genetic diseases. Last evaluated: 2025-01-09. Review status: criteria provided, single submitter. Criteria: Ambry Variant Classification Scheme 2023. Collection method: clinical testing. Allele origin: germline.
Comment: The p.P599A variant (also known as c.1795C>G), located in coding exon 13 of the ASXL1 gene, results from a C to G substitution at nucleotide position 1795. The proline at codon 599 is replaced by alanine, an amino acid with highly similar properties. This amino acid position is conserved. In addition, this alteration is predicted to be tolerated by in silico analysis. Based on the available evidence, the clinical significance of this variant remains unclear.

NM_015338.6(ASXL1):c.1795C>G (p.Pro599Ala)

Gene: ASXL1 (ASXL transcriptional regulator 1; plus strand). Cytogenetic location: 20q11.21.
Variant type: single nucleotide variant.
Coding change: c.1795C>G on transcript NM_015338.6 (MANE Select); coding-DNA position 1795, C replaced by G.
Protein change: p.Pro599Ala; replaces proline 599 with alanine.
Molecular consequence: missense variant.
Genome position (GRCh38, 1-based): chr20:32,434,507, C>G. VCF-style: chr20-32434507-C-G. GRCh37 (hg19) VCF-style: chr20-31022310-C-G.
Other names: c.1612C>G, p.Pro538Ala (NM_001363734.1); short protein forms P538A, P599A.
Identifiers: ClinVar variation 3792147 (VCV003792147.1).